The following is an entry in ClinVar:

NM_002430.3(MN1):c.779C>T (p.Ala260Val)

Gene: MN1 (MN1 proto-oncogene, transcriptional regulator; minus strand). Cytogenetic location: 22q12.1.
Variant type: single nucleotide variant.
Coding change: c.779C>T on transcript NM_002430.3 (MANE Select); coding-DNA position 779, C replaced by T.
Protein change: p.Ala260Val; replaces alanine 260 with valine.
Molecular consequence: missense variant.
Genome position (GRCh38, 1-based): chr22:27,799,765, G>A on the plus strand (C>T on the coding strand, the complement: MN1 is on the minus strand). VCF-style: chr22-27799765-G-A. GRCh37 (hg19) VCF-style: chr22-28195753-G-A.
Other names: c.779C>T (NM_002430.2); short protein forms A260V.
Identifiers: ClinVar variation 4084337 (VCV004084337.9).
Genomic context (GRCh38, chr22:27,799,765, plus strand): 5'-GCAGCTCTGGGCATGGCCGAGGCGCCCGGGAAAGCGCCCCCAGGAACCTGGCGACCCGCT[G>A]CATAATGAGGCAGCTGCCCTTCGGAGTCAGAGGGCGAAAACATGTCAAAATGTCCCGAGG-3'
Protein context (NP_002421.3, residues 250-270): SDSEGQLPHY[Ala260Val]AGRQVPGGAF

ClinVar aggregate classification (germline): Conflicting classifications of pathogenicity. Review status: criteria provided, conflicting classifications (1 of 4 stars). 2 submissions from 2 submitters: Uncertain significance (1); Likely benign (1). Last evaluated 2025-08-21.

Conditions:
Inborn genetic diseases. Identifiers: MedGen C0950123, MeSH D030342.

gnomAD v4.1: 102 of 1,593,614 alleles (0.0064%); highest among the groups gnomAD compares: Middle Eastern, 0.085%; no homozygotes.

Submissions (2):

Ambry Genetics
Classification: Uncertain significance for Inborn genetic diseases. Last evaluated: 2025-08-21. Review status: criteria provided, single submitter. Criteria: Ambry Variant Classification Scheme 2023. Collection method: clinical testing. Allele origin: germline.

CeGaT Center for Human Genetics Tuebingen
Classification: Likely benign. Last evaluated: 2025-06-01. Review status: criteria provided, single submitter. Criteria: CeGaT Center For Human Genetics Tuebingen Variant Classification Criteria Version 2. Collection method: clinical testing. Allele origin: germline. Affected: yes. Observed: 1 variant allele.
Comment: MN1: BS1